The following is an entry in ClinVar:

ClinVar aggregate classification (germline): Uncertain significance (1 of 4 stars; one submission).

gnomAD v4.1: 21 of 1,614,016 alleles (0.0013%); highest among the groups gnomAD compares: Non-Finnish European, 0.0015%; no homozygotes.

Submission:

Labcorp Genetics (formerly Invitae), Labcorp
Classification: Uncertain significance. Last evaluated: 2025-04-24. Review status: criteria provided, single submitter. Criteria: Invitae Variant Classification Sherloc (09022015). Collection method: clinical testing. Allele origin: germline.
Comment: This sequence change replaces proline, which is neutral and non-polar, with serine, which is neutral and polar, at codon 1482 of the SRCAP protein (p.Pro1482Ser). This variant is present in population databases (rs759177231, gnomAD 0.004%). This variant has not been reported in the literature in individuals affected with SRCAP-related conditions. Invitae Evidence Modeling of protein sequence and biophysical properties (such as structural, functional, and spatial information, amino acid conservation, physicochemical variation, residue mobility, and thermodynamic stability) indicates that this missense variant is not expected to disrupt SRCAP protein function with a negative predictive value of 80%. In summary, the available evidence is currently insufficient to determine the role of this variant in disease. Therefore, it has been classified as a Variant of Uncertain Significance.

NM_006662.3(SRCAP):c.4444C>T (p.Pro1482Ser)

Gene: SRCAP (Snf2 related CREBBP activator protein; plus strand). Cytogenetic location: 16p11.2.
Variant type: single nucleotide variant.
Coding change: c.4444C>T on transcript NM_006662.3 (MANE Select); coding-DNA position 4444, C replaced by T.
Protein change: p.Pro1482Ser; replaces proline 1482 with serine.
Molecular consequence: missense variant.
Genome position (GRCh38, 1-based): chr16:30,723,868, C>T. VCF-style: chr16-30723868-C-T. GRCh37 (hg19) VCF-style: chr16-30735189-C-T.
Other names: short protein forms P1482S.
Identifiers: ClinVar variation 4768918 (VCV004768918.1).